The following is an entry in ClinVar:

ClinVar aggregate classification (germline): Benign/Likely benign. Review status: criteria provided, multiple submitters, no conflicts (2 of 4 stars). 2 submissions from 2 submitters: Benign (1); Likely benign (1). Last evaluated 2026-09-25.

Conditions:
Kabuki syndrome. Also called: NIIKAWA-KUROKI SYNDROME; Kabuki make-up syndrome. Identifiers: Orphanet 2322, MedGen C0796004, MONDO:0016512.
KMT2D-related disorder. Also called: KMT2D-Related Disorders.

Allele frequency attached by ClinVar (database versions not stated): ExAC 0.00001.
gnomAD v4.1: 1 of 1,592,486 alleles (0.000063%); highest among the groups gnomAD compares: South Asian, 0.0011%; no homozygotes.

Submissions (2):

PreventionGenetics, part of Exact Sciences
Classification: Likely benign for KMT2D-related condition. Last evaluated: 2026-09-25. Review status: criteria provided, single submitter. Criteria: ACMG Guidelines, 2015. Collection method: clinical testing. Allele origin: germline.
Comment: This variant is classified as likely benign based on ACMG/AMP sequence variant interpretation guidelines (Richards et al. 2015 PMID: 25741868, with internal and published modifications).

Labcorp Genetics (formerly Invitae), Labcorp
Classification: Benign for Kabuki syndrome. Last evaluated: 2024-01-18. Review status: criteria provided, single submitter. Criteria: Invitae Variant Classification Sherloc (09022015). Collection method: clinical testing. Allele origin: germline.

NM_003482.4(KMT2D):c.7467G>A (p.Leu2489=)

Gene: KMT2D (lysine methyltransferase 2D; minus strand). Cytogenetic location: 12q13.12.
Variant type: single nucleotide variant.
Coding change: c.7467G>A on transcript NM_003482.4 (MANE Select); coding-DNA position 7467, G replaced by A.
Protein change: p.Leu2489=; no amino-acid change (leucine 2489 retained).
Molecular consequence: synonymous variant.
Genome position (GRCh38, 1-based): chr12:49,040,303, C>T on the plus strand (G>A on the coding strand, the complement: KMT2D is on the minus strand). VCF-style: chr12-49040303-C-T. GRCh37 (hg19) VCF-style: chr12-49434086-C-T.
Identifiers: ClinVar variation 2720137 (VCV002720137.3), dbSNP rs754094402, ClinGen allele CA6547063.